The following is an entry in ClinVar:

NM_001035.3(RYR2):c.11158G>C (p.Glu3720Gln)

Gene: RYR2 (ryanodine receptor 2; plus strand). Cytogenetic location: 1q43.
Variant type: single nucleotide variant.
Coding change: c.11158G>C on transcript NM_001035.3 (MANE Select); coding-DNA position 11158, G replaced by C.
Protein change: p.Glu3720Gln; replaces glutamic acid 3720 with glutamine.
Molecular consequence: missense variant.
Genome position (GRCh38, 1-based): chr1:237,756,300, G>C. VCF-style: chr1-237756300-G-C. GRCh37 (hg19) VCF-style: chr1-237919600-G-C.
Other names: short protein forms E3720Q.
Identifiers: ClinVar variation 923472 (VCV000923472.8), dbSNP rs770241781, ClinGen allele CA084791.

ClinVar aggregate classification (germline): Uncertain significance. Review status: criteria provided, multiple submitters, no conflicts (2 of 4 stars). 2 submissions from 2 submitters: Uncertain significance (2). Last evaluated 2024-03-06.

Conditions:
Cardiomyopathy (CMYO). Also called: Cardiomyopathies. Identifiers: Orphanet 167848, MedGen C0878544, MONDO:0004994, HP:0001638. Inheritance: Various modes of inheritance.
Catecholaminergic polymorphic ventricular tachycardia 1. Also called: VENTRICULAR TACHYCARDIA, CATECHOLAMINERGIC POLYMORPHIC, 1, WITH OR WITHOUT ATRIAL DYSFUNCTION AND/OR DILATED CARDIOMYOPATHY; RYR2-Related Catecholaminergic Polymorphic Ventricular Tachycardia; VENTRICULAR TACHYCARDIA, STRESS-INDUCED POLYMORPHIC 1. Identifiers: Orphanet 3286, MedGen C1631597, MONDO:0011484, OMIM 604772.

Allele frequency attached by ClinVar (database versions not stated): gnomAD exomes below 0.00001 and 0.00001; ExAC 0.00002.
gnomAD v4.1: 1 of 1,612,686 alleles (0.000062%); highest among the groups gnomAD compares: Non-Finnish European, 0.000085%; no homozygotes.

Submissions (2):

Color Diagnostics, LLC DBA Color Health
Classification: Uncertain significance for Cardiomyopathy. Last evaluated: 2024-03-06. Review status: criteria provided, single submitter. Criteria: ACMG Guidelines, 2015. Collection method: clinical testing. Allele origin: germline.
Comment: This variant is located in the RYR2 protein. Computational prediction suggests that this variant may not impact protein structure and function (internally defined REVEL score threshold <= 0.5, PMID: 27666373). To our knowledge, functional studies have not been reported for this variant. This variant has not been reported in individuals affected with cardiovascular disorders in the literature. This variant has been identified in 2/248678 chromosomes in the general population by the Genome Aggregation Database (gnomAD). The available evidence is insufficient to determine the role of this variant in disease conclusively. Therefore, this variant is classified as a Variant of Uncertain Significance.

Labcorp Genetics (formerly Invitae), Labcorp
Classification: Uncertain significance for Catecholaminergic polymorphic ventricular tachycardia 1. Last evaluated: 2022-10-17. Review status: criteria provided, single submitter. Criteria: Invitae Variant Classification Sherloc (09022015). Collection method: clinical testing. Allele origin: germline.
Comment: This sequence change replaces glutamic acid, which is acidic and polar, with glutamine, which is neutral and polar, at codon 3720 of the RYR2 protein (p.Glu3720Gln). This variant is present in population databases (rs770241781, gnomAD 0.002%). This variant has not been reported in the literature in individuals affected with RYR2-related conditions. ClinVar contains an entry for this variant (Variation ID: 923472). Advanced modeling of protein sequence and biophysical properties (such as structural, functional, and spatial information, amino acid conservation, physicochemical variation, residue mobility, and thermodynamic stability) has been performed at Invitae for this missense variant, however the output from this modeling did not meet the statistical confidence thresholds required to predict the impact of this variant on RYR2 protein function. In summary, the available evidence is currently insufficient to determine the role of this variant in disease. Therefore, it has been classified as a Variant of Uncertain Significance.